The following is an entry in ClinVar:

NM_174936.4(PCSK9):c.566_567dup (p.Gln190fs)

Gene: PCSK9 (proprotein convertase subtilisin/kexin type 9; plus strand). Cytogenetic location: 1p32.3.
Variant type: Duplication.
Coding change: c.566_567dup on transcript NM_174936.4 (MANE Select); coding-DNA positions 566 to 567, 2 bases duplicated (TA; older notation c.566_567dupTA).
Protein change: p.Gln190fs; shifts the reading frame from glutamine 190.
Molecular consequence: frameshift variant.
Genome position (GRCh38, 1-based): chr1:55,052,320-55,052,321, TA duplicated; duplicating any 2 consecutive bases within chr1:55,052,319-55,052,321 gives the same sequence; the c. name uses the placement nearest the transcript's 3' end. VCF-style (leftmost placement, unchanged base first): chr1-55052318-C-CAT. GRCh37 (hg19) VCF-style: chr1-55517991-C-CAT.
Other names: c.566_567dupTA (NM_174936.3); c.689_690dup, p.Gln231Tyrfs (NM_001407240.1); c.566_567dup, p.Gln190Tyrfs (NM_001407241.1, NM_001407242.1, NM_001407244.1 and 1 more transcripts); c.509_510dup, p.Gln171Tyrfs (NM_001407243.1); c.374_375dup, p.Gln126Tyrfs (NM_001407245.1); c.191_192dup, p.Gln65Tyrfs (NM_001407246.1); short protein forms Q190fs.
Identifiers: ClinVar variation 918179 (VCV000918179.8), dbSNP rs755197912, ClinGen allele CA871476.

ClinVar aggregate classification (germline): Conflicting classifications of pathogenicity. Review status: criteria provided, conflicting classifications (1 of 4 stars). 4 submissions from 4 submitters: Uncertain significance (1); Benign (2); Likely benign (1). Last evaluated 2024-03-28.

Conditions:
Cardiovascular phenotype. Identifiers: MedGen CN230736.
Familial hypercholesterolemia. Also called: Familial hypercholesterolemias; Familial hypercholesterolaemia. Identifiers: MedGen C0020445, MONDO:0005439.
Hypercholesterolemia, autosomal dominant, 3 (FHCL3). Also called: Familial hypercholesterolemia 3; Familial Hypercholesterolemia, Autosomal Dominant, 3; PCSK9-Related Familial Hypercholesterolemia, Autosomal Dominant. Identifiers: MedGen C1863551, MONDO:0011369, OMIM 603776.

Submissions (4):

Labcorp Genetics (formerly Invitae), Labcorp
Classification: Uncertain significance for Hypercholesterolemia, autosomal dominant, 3. Last evaluated: 2024-03-28. Review status: criteria provided, single submitter. Criteria: Invitae Variant Classification Sherloc (09022015). Collection method: clinical testing. Allele origin: germline.
Comment: This sequence change creates a premature translational stop signal (p.Gln190Tyrfs*78) in the PCSK9 gene. It is expected to result in an absent or disrupted protein product. However, the current clinical and genetic evidence is not sufficient to establish whether loss-of-function variants in PCSK9 cause disease. This variant is present in population databases (rs755197912, gnomAD 0.04%). This variant has not been reported in the literature in individuals affected with PCSK9-related conditions. ClinVar contains an entry for this variant (Variation ID: 918179). In summary, the available evidence is currently insufficient to determine the role of this variant in disease. Therefore, it has been classified as a Variant of Uncertain Significance.

Ambry Genetics
Classification: Benign for Cardiovascular phenotype. Last evaluated: 2023-06-28. Review status: criteria provided, single submitter. Criteria: Ambry Variant Classification Scheme 2023. Collection method: clinical testing. Allele origin: germline.

Women's Health and Genetics/Laboratory Corporation of America, LabCorp
Classification: Benign. Last evaluated: 2022-04-25. Review status: criteria provided, single submitter. Criteria: LabCorp Variant Classification Summary - May 2015. Collection method: clinical testing. Allele origin: germline.
Comment: Variant summary: PCSK9 c.566_567dupTA (p.Gln190TyrfsX78) results in a premature termination codon, predicted to cause a truncation of the encoded protein or absence of the protein due to nonsense mediated decay, which are commonly known mechanisms for disease. This null variant is unlikely to impact function since gain of function is the primary mechanism of disease. The variant allele was found at a frequency of 4.8e-05 in 251370 control chromosomes. The observed variant frequency is approximately 1.3 fold of the estimated maximal expected allele frequency for a pathogenic variant in PCSK9 causing Familial Hypercholesterolemia phenotype (3.8e-05), strongly suggesting that the variant is benign. To our knowledge, no occurrence of c.566_567dupTA in individuals affected with Familial Hypercholesterolemia and no experimental evidence demonstrating its impact on protein function have been reported. One clinical diagnostic laboratory has submitted clinical-significance assessments for this variant to ClinVar after 2014 without evidence for independent evaluation and classified the variant as likely benign. Based on the evidence outlined above, the variant was classified as benign.

Color Diagnostics, LLC DBA Color Health
Classification: Likely benign for Familial hypercholesterolemia. Last evaluated: 2019-02-25. Review status: criteria provided, single submitter. Criteria: ACMG Guidelines, 2015. Collection method: clinical testing. Allele origin: germline.